The following is an entry in ClinVar:

ClinVar aggregate classification (germline): Conflicting classifications of pathogenicity. Review status: criteria provided, conflicting classifications (1 of 4 stars). 3 submissions from 3 submitters: Uncertain significance (1); Likely benign (1). 1 of the submissions does not count toward it. Last evaluated 2026-02-01.

Conditions:
TCOF1-related disorder. Also called: TCOF1-related condition.
Treacher Collins syndrome 1 (TCS1). Also called: TCOF1-Related Treacher Collins Syndrome. Identifiers: Orphanet 861, MedGen CN315775, MONDO:0007944, OMIM 154500.

Allele frequency attached by ClinVar (database versions not stated): TOPMed 0.00006; ExAC 0.00007; ESP Exome Variant Server 0.00008; gnomAD exomes 0.00008 and 0.00004; 1000 Genomes Project 30x 0.00016; 1000 Genomes Project 0.00040; gnomAD 0.00004 and 0.00005.
gnomAD v4.1: 66 of 1,614,042 alleles (0.0041%); highest among the groups gnomAD compares: East Asian, 0.038%; no homozygotes.

Submissions (3):

CeGaT Center for Human Genetics Tuebingen
Classification: Uncertain significance. Last evaluated: 2026-02-01. Review status: criteria provided, single submitter. Criteria: CeGaT Center For Human Genetics Tuebingen Variant Classification Criteria Version 2. Collection method: clinical testing. Allele origin: germline. Affected: yes. Observed: 1 variant allele.

Labcorp Genetics (formerly Invitae), Labcorp
Classification: Likely benign for Treacher Collins syndrome 1. Last evaluated: 2025-10-22. Review status: criteria provided, single submitter. Criteria: Invitae Variant Classification Sherloc (09022015). Collection method: clinical testing. Allele origin: germline.

PreventionGenetics, part of Exact Sciences
Classification: Likely benign for TCOF1-related condition. Last evaluated: 2023-10-11. Review status: no assertion criteria provided. Collection method: clinical testing. Allele origin: germline. Not counted in ClinVar's aggregate classification.
Comment: This variant is classified as likely benign based on ACMG/AMP sequence variant interpretation guidelines (Richards et al. 2015 PMID: 25741868, with internal and published modifications).

NM_001371623.1(TCOF1):c.187C>T (p.Arg63Trp)

Gene: TCOF1 (treacle ribosome biogenesis factor 1; plus strand). Cytogenetic location: 5q32.
Variant type: single nucleotide variant.
Coding change: c.187C>T on transcript NM_001371623.1 (MANE Select); coding-DNA position 187, C replaced by T.
Protein change: p.Arg63Trp; replaces arginine 63 with tryptophan.
Molecular consequence: missense variant.
Genome position (GRCh38, 1-based): chr5:150,364,135, C>T. VCF-style: chr5-150364135-C-T. GRCh37 (hg19) VCF-style: chr5-149743698-C-T.
Other names: c.187C>T, p.Arg63Trp (NM_000356.4, NM_001008657.3, NM_001135243.2 and 3 more transcripts); short protein forms R63W.
Identifiers: ClinVar variation 644290 (VCV000644290.15), dbSNP rs367964727, ClinGen allele CA3510491.